The following is an entry in ClinVar:

NM_002439.5(MSH3):c.3160A>G (p.Thr1054Ala)

Gene: MSH3 (mutS homolog 3; plus strand). Cytogenetic location: 5q14.1.
Variant type: single nucleotide variant.
Coding change: c.3160A>G on transcript NM_002439.5 (MANE Select); coding-DNA position 3160, A replaced by G.
Protein change: p.Thr1054Ala; replaces threonine 1054 with alanine.
Molecular consequence: missense variant.
Genome position (GRCh38, 1-based): chr5:80,873,145, A>G. VCF-style: chr5-80873145-A-G. GRCh37 (hg19) VCF-style: chr5-80168964-A-G.
Other names: c.3160A>G (NM_002439.3); short protein forms T1054A.
Identifiers: ClinVar variation 2770237 (VCV002770237.4), dbSNP rs1805131, ClinGen allele CA121753089.

ClinVar aggregate classification (germline): Uncertain significance. Review status: criteria provided, multiple submitters, no conflicts (2 of 4 stars). 2 submissions from 2 submitters: Uncertain significance (2). Last evaluated 2025-10-30.

Conditions:
Hereditary cancer-predisposing syndrome. Also called: Hereditary neoplastic syndrome; Hereditary Cancer Syndrome; Neoplastic Syndromes, Hereditary; Tumor predisposition. Identifiers: Orphanet 140162, MedGen C0027672, MeSH D009386, MONDO:0015356.

Submissions (2):

Ambry Genetics
Classification: Uncertain significance for Hereditary cancer-predisposing syndrome. Last evaluated: 2025-10-30. Review status: criteria provided, single submitter. Criteria: Ambry Variant Classification Scheme 2023. Collection method: clinical testing. Allele origin: germline.
Comment: The p.T1054A variant (also known as c.3160A>G), located in coding exon 23 of the MSH3 gene, results from an A to G substitution at nucleotide position 3160. The threonine at codon 1054 is replaced by alanine, an amino acid with similar properties. This amino acid position is highly conserved in available vertebrate species. In addition, the in silico prediction for this alteration is inconclusive. Based on the available evidence, the clinical significance of this variant remains unclear.

Labcorp Genetics (formerly Invitae), Labcorp
Classification: Uncertain significance. Last evaluated: 2025-10-23. Review status: criteria provided, single submitter. Criteria: Invitae Variant Classification Sherloc (09022015). Collection method: clinical testing. Allele origin: germline.
Comment: This sequence change replaces threonine, which is neutral and polar, with alanine, which is neutral and non-polar, at codon 1054 of the MSH3 protein (p.Thr1054Ala). This variant is not present in population databases (gnomAD no frequency). This variant has not been reported in the literature in individuals affected with MSH3-related conditions. ClinVar contains an entry for this variant (Variation ID: 2770237). An algorithm developed to predict the effect of missense changes on protein structure and function (PolyPhen-2) suggests that this variant is likely to be disruptive. In summary, the available evidence is currently insufficient to determine the role of this variant in disease. Therefore, it has been classified as a Variant of Uncertain Significance.